The following is an entry in ClinVar:

ClinVar aggregate classification (germline): Likely benign (0 of 4 stars; one submission).

Conditions:
DLGAP2-related disorder. Also called: DLGAP2-related condition.

Allele frequency attached by ClinVar (database versions not stated): gnomAD exomes 0.00051; ExAC 0.00296; ESP Exome Variant Server 0.00409; gnomAD 0.00548; TOPMed 0.00638; 1000 Genomes Project 0.00719; 1000 Genomes Project 30x 0.00812.
gnomAD v4.1: 1,605 of 1,595,868 alleles (0.1%); highest among the groups gnomAD compares: African/African-American, 1.9%; 19 homozygotes.

Submission:

PreventionGenetics, part of Exact Sciences
Classification: Likely benign for DLGAP2-related condition. Last evaluated: 2019-12-24. Review status: no assertion criteria provided. Collection method: clinical testing. Allele origin: germline.
Comment: This variant is classified as likely benign based on ACMG/AMP sequence variant interpretation guidelines (Richards et al. 2015 PMID: 25741868, with internal and published modifications).

NM_001346810.2(DLGAP2):c.3147C>G (p.Pro1049=)

Genes: DLGAP2 (DLG associated protein 2; plus strand), LOC106783493 (conserved acetylation island sequence 7 enhancer; plus strand). Cytogenetic location: 8p23.3.
Variant type: single nucleotide variant.
Coding change: c.3147C>G on transcript NM_001346810.2 (MANE Select); coding-DNA position 3147, C replaced by G.
Protein change: p.Pro1049=; no amino-acid change (proline 1049 retained).
Molecular consequence: synonymous variant.
Genome position (GRCh38, 1-based): chr8:1,701,385, C>G. VCF-style: chr8-1701385-C-G. GRCh37 (hg19) VCF-style: chr8-1649551-C-G.
Identifiers: ClinVar variation 3052857 (VCV003052857.2), dbSNP rs35716530, ClinGen allele CA4599134.